The following is an entry in ClinVar:

NM_003172.4(SURF1):c.863T>A (p.Leu288Gln)

Gene: SURF1 (SURF1 cytochrome c oxidase assembly factor; minus strand). Cytogenetic location: 9q34.2.
Variant type: single nucleotide variant.
Coding change: c.863T>A on transcript NM_003172.4 (MANE Select); coding-DNA position 863, T replaced by A.
Protein change: p.Leu288Gln; replaces leucine 288 with glutamine.
Molecular consequence: missense variant.
Genome position (GRCh38, 1-based): chr9:133,351,953, A>T on the plus strand (T>A on the coding strand, the complement: SURF1 is on the minus strand). VCF-style: chr9-133351953-A-T. GRCh37 (hg19) VCF-style: chr9-136218808-A-T.
Other names: c.536T>A, p.Leu179Gln (NM_001280787.1); short protein forms L288Q, L179Q.
Identifiers: ClinVar variation 1418344 (VCV001418344.5), dbSNP rs200841752, ClinGen allele CA200831913.

ClinVar aggregate classification (germline): Uncertain significance (1 of 4 stars; one submission).

Conditions:
Leigh syndrome (NULS). Also called: Leigh's syndrome; LEIGH SYNDROME, NUCLEAR; Leigh's necrotizing encephalopathy; Leigh's disease; Leigh Syndrome (mtDNA deletion); Leigh Disease. Identifiers: Orphanet 506, MedGen C2931891, MONDO:0009723, OMIM 256000.

gnomAD v4.1: 4 of 1,613,968 alleles (0.00025%); highest among the groups gnomAD compares: Non-Finnish European, 0.00025%; no homozygotes.

Submission:

Labcorp Genetics (formerly Invitae), Labcorp
Classification: Uncertain significance for Leigh syndrome. Last evaluated: 2021-08-31. Review status: criteria provided, single submitter. Criteria: Invitae Variant Classification Sherloc (09022015). Collection method: clinical testing. Allele origin: germline.
Comment: This sequence change replaces leucine with glutamine at codon 288 of the SURF1 protein (p.Leu288Gln). The leucine residue is moderately conserved and there is a moderate physicochemical difference between leucine and glutamine. This variant is present in population databases (rs200841752, ExAC 0.002%). This variant has not been reported in the literature in individuals affected with SURF1-related conditions. Algorithms developed to predict the effect of missense changes on protein structure and function are either unavailable or do not agree on the potential impact of this missense change (SIFT: "Deleterious"; PolyPhen-2: "Possibly Damaging"; Align-GVGD: "Class C0"). Algorithms developed to predict the effect of sequence changes on RNA splicing suggest that this variant may create or strengthen a splice site. In summary, the available evidence is currently insufficient to determine the role of this variant in disease. Therefore, it has been classified as a Variant of Uncertain Significance.